The following is an entry in ClinVar:

NM_004937.3(CTNS):c.619TTC[1] (p.Phe208del)

Genes: CTNS (cystinosin, lysosomal cystine transporter; plus strand), CTNS-AS1 (CTNS antisense RNA 1; minus strand). Cytogenetic location: 17p13.2.
Variant type: Microsatellite.
Coding change: c.619TTC[1] on transcript NM_004937.3 (MANE Select); one copy of the 3-base unit TTC starting at c.619; the reference has two copies in a row; one copy, 3 bases deleted.
Protein change: p.Phe208del; deletes phenylalanine 208.
Molecular consequence: inframe deletion.
Genome position (GRCh38, 1-based): chr17:3,656,736-3,656,738, TTC deleted; deleting any 3 consecutive bases within chr17:3,656,731-3,656,738 gives the same sequence; the position shown is the placement nearest the transcript's 3' end. VCF-style (leftmost placement, unchanged base first): chr17-3656730-GTCT-G. GRCh37 (hg19) VCF-style: chr17-3560024-GTCT-G.
Other names: c.619TTC[1], p.Phe208del (NM_001031681.3, NM_001374492.1); c.178TTC[1], p.Phe61del (NM_001374493.1, NM_001374494.1, NM_001374495.1 and 1 more transcripts); short protein forms F208del, F61del.
Identifiers: ClinVar variation 557383 (VCV000557383.4), dbSNP rs1555563619, ClinGen allele CA624850992.

ClinVar aggregate classification (germline): Uncertain significance. Review status: criteria provided, single submitter (1 of 4 stars). 2 submissions from 2 submitters: Uncertain significance (1). 1 of the submissions does not count toward it. Last evaluated 2022-08-17.

Conditions:
Juvenile nephropathic cystinosis. Also called: Intermediate Cystinosis; Later-Onset (Juvenile) Cystinosis; CYSTINOSIS, LATE-ONSET JUVENILE OR ADOLESCENT NEPHROPATHIC TYPE. Identifiers: Orphanet 213, Orphanet 411634, MedGen C0268626, MONDO:0009066, OMIM 219900.
Inborn genetic diseases. Identifiers: MedGen C0950123, MeSH D030342.
Ocular cystinosis. Also called: Non-Nephropathic Cystinosis; Non-Nephropathic (Ocular) Cystinosis. Identifiers: Orphanet 213, Orphanet 411641, MedGen C2931013, MONDO:0009064, OMIM 219750.
Nephropathic cystinosis (CTNS). Also called: CYSTINOSIN, DEFECT OF; LYSOSOMAL CYSTINE TRANSPORT PROTEIN, DEFECT OF; Abderhalden Lignac Kaufmann disease; Abderhalden-Kaufmann-Lignac syndrome. Identifiers: Orphanet 213, Orphanet 411629, MedGen C2931187, MONDO:0100151, OMIM 219800.

Submissions (2):

Labcorp Genetics (formerly Invitae), Labcorp
Classification: Uncertain significance for Inborn genetic diseases; Ocular cystinosis; Juvenile nephropathic cystinosis. Last evaluated: 2022-08-17. Review status: criteria provided, single submitter. Criteria: Invitae Variant Classification Sherloc (09022015). Collection method: clinical testing. Allele origin: germline.
Comment: This variant, c.622_624del, results in the deletion of 1 amino acid(s) of the CTNS protein (p.Phe208del), but otherwise preserves the integrity of the reading frame. This variant is present in population databases (no rsID available, gnomAD 0.003%). This variant has not been reported in the literature in individuals affected with CTNS-related conditions. ClinVar contains an entry for this variant (Variation ID: 557383). Experimental studies and prediction algorithms are not available or were not evaluated, and the functional significance of this variant is currently unknown. In summary, the available evidence is currently insufficient to determine the role of this variant in disease. Therefore, it has been classified as a Variant of Uncertain Significance.

Counsyl
Classification: Uncertain significance for Nephropathic cystinosis. Last evaluated: 2018-03-22. Review status: no assertion criteria provided. Collection method: clinical testing. Allele origin: unknown. Not counted in ClinVar's aggregate classification.